The following is an entry in ClinVar:

NM_004369.4(COL6A3):c.4415A>T (p.Lys1472Ile)

Gene: COL6A3 (collagen type VI alpha 3 chain; minus strand). Cytogenetic location: 2q37.3.
Variant type: single nucleotide variant.
Coding change: c.4415A>T on transcript NM_004369.4 (MANE Select); coding-DNA position 4415, A replaced by T.
Protein change: p.Lys1472Ile; replaces lysine 1472 with isoleucine.
Molecular consequence: missense variant.
Genome position (GRCh38, 1-based): chr2:237,369,048, T>A on the plus strand (A>T on the coding strand, the complement: COL6A3 is on the minus strand). VCF-style: chr2-237369048-T-A. GRCh37 (hg19) VCF-style: chr2-238277691-T-A.
Other names: c.2594A>T, p.Lys865Ile (NM_057166.5); c.3797A>T, p.Lys1266Ile (NM_057167.4); short protein forms K1266I, K1472I, K865I.
Identifiers: ClinVar variation 2051519 (VCV002051519.7), dbSNP rs748650105, ClinGen allele CA2188898.

ClinVar aggregate classification (germline): Uncertain significance. Review status: criteria provided, multiple submitters, no conflicts (2 of 4 stars). 2 submissions from 2 submitters: Uncertain significance (2). Last evaluated 2025-08-24.

Conditions:
Bethlem myopathy 1A. Also called: MYOPATHY, BENIGN CONGENITAL, WITH CONTRACTURES; Bethlem Muscular Dystrophy; Bethlem myopathy 1. Identifiers: Orphanet 610, MedGen CN029274, MONDO:0024530, OMIM 158810.

Allele frequency attached by ClinVar (database versions not stated): gnomAD exomes below 0.00001; ExAC 0.00001; gnomAD 0.00001; TOPMed 0.00001.
gnomAD v4.1: 8 of 1,614,086 alleles (0.0005%); highest among the groups gnomAD compares: Non-Finnish European, 0.00068%; no homozygotes.

Submissions (2):

Labcorp Genetics (formerly Invitae), Labcorp
Classification: Uncertain significance for Bethlem myopathy 1A. Last evaluated: 2025-08-24. Review status: criteria provided, single submitter. Criteria: Invitae Variant Classification Sherloc (09022015). Collection method: clinical testing. Allele origin: germline.
Comment: This sequence change replaces lysine, which is basic and polar, with isoleucine, which is neutral and non-polar, at codon 1472 of the COL6A3 protein (p.Lys1472Ile). This variant is present in population databases (rs748650105, gnomAD 0.003%). This variant has not been reported in the literature in individuals affected with COL6A3-related conditions. ClinVar contains an entry for this variant (Variation ID: 2051519). Invitae Evidence Modeling of protein sequence and biophysical properties (such as structural, functional, and spatial information, amino acid conservation, physicochemical variation, residue mobility, and thermodynamic stability) indicates that this missense variant is expected to disrupt COL6A3 protein function with a positive predictive value of 80%. In summary, the available evidence is currently insufficient to determine the role of this variant in disease. Therefore, it has been classified as a Variant of Uncertain Significance.

Revvity Omics, Revvity
Classification: Uncertain significance. Last evaluated: 2023-01-17. Review status: criteria provided, single submitter. Criteria: ACMG Guidelines, 2015. Collection method: clinical testing. Allele origin: germline.